The following is an entry in ClinVar:

ClinVar aggregate classification (germline): Uncertain significance. Review status: criteria provided, multiple submitters, no conflicts (2 of 4 stars). 6 submissions from 6 submitters: Uncertain significance (6). Last evaluated 2025-07-07.

Conditions:
Hereditary cancer-predisposing syndrome. Also called: Neoplastic Syndromes, Hereditary; Tumor predisposition; Hereditary Cancer Syndrome; Hereditary neoplastic syndrome. Identifiers: Orphanet 140162, MedGen C0027672, MeSH D009386, MONDO:0015356.
Ataxia-telangiectasia-like disorder 1 (ATLD1). Identifiers: Orphanet 251347, MedGen C4012790, MONDO:0024557, OMIM 604391.
Ataxia-telangiectasia-like disorder (ATLD). Identifiers: MedGen C1858391, MONDO:0011457.

Allele frequency attached by ClinVar (database versions not stated): ExAC 0.00001; gnomAD exomes 0.00001; gnomAD 0.00003 and 0.00004; TOPMed 0.00004; ESP Exome Variant Server 0.00015.
gnomAD v4.1: 14 of 1,612,716 alleles (0.00087%); highest among the groups gnomAD compares: African/African-American, 0.012%; no homozygotes.

Submissions (6):

Labcorp Genetics (formerly Invitae), Labcorp
Classification: Uncertain significance for Ataxia-telangiectasia-like disorder. Last evaluated: 2025-07-07. Review status: criteria provided, single submitter. Criteria: Invitae Variant Classification Sherloc (09022015). Collection method: clinical testing. Allele origin: germline.
Comment: This sequence change replaces histidine, which is basic and polar, with arginine, which is basic and polar, at codon 283 of the MRE11 protein (p.His283Arg). This variant is present in population databases (rs142727857, gnomAD 0.004%). This variant has not been reported in the literature in individuals affected with MRE11-related conditions. ClinVar contains an entry for this variant (Variation ID: 306492). An algorithm developed to predict the effect of missense changes on protein structure and function (PolyPhen-2) suggests that this variant is likely to be disruptive. In summary, the available evidence is currently insufficient to determine the role of this variant in disease. Therefore, it has been classified as a Variant of Uncertain Significance.

Ambry Genetics
Classification: Uncertain significance for Hereditary cancer-predisposing syndrome. Last evaluated: 2024-04-26. Review status: criteria provided, single submitter. Criteria: Ambry Variant Classification Scheme 2023. Collection method: clinical testing. Allele origin: germline.
Comment: The p.H283R variant (also known as c.848A>G), located in coding exon 8 of the MRE11A gene, results from an A to G substitution at nucleotide position 848. The histidine at codon 283 is replaced by arginine, an amino acid with highly similar properties. This alteration has been reported in 1/1197 individuals from Greece, Romania, and Turkey undergoing evaluation for inherited cancer predisposition (Tsaousis GN et al. BMC Cancer. 2019 Jun;19:535). This amino acid position is highly conserved in available vertebrate species. In addition, this alteration is predicted to be deleterious by in silico analysis. Based on the available evidence, the clinical significance of this variant remains unclear.

Baylor Genetics
Classification: Uncertain significance for Ataxia-telangiectasia-like disorder 1. Last evaluated: 2023-08-14. Review status: criteria provided, single submitter. Criteria: ACMG Guidelines, 2015. Collection method: clinical testing. Allele origin: unknown.

GeneKor MSA
Classification: Uncertain significance for Hereditary cancer-predisposing syndrome. Last evaluated: 2018-08-01. Review status: criteria provided, single submitter. Criteria: ACMG Guidelines, 2015. Collection method: clinical testing. Allele origin: germline. Affected: yes.

Illumina Laboratory Services, Illumina
Classification: Uncertain significance for Ataxia-telangiectasia-like disorder 1. Last evaluated: 2018-01-12. Review status: criteria provided, single submitter. Criteria: ICSL Variant Classification Criteria 13 December 2019. Collection method: clinical testing. Allele origin: germline.

Breakthrough Genomics
Classification: Uncertain significance. Review status: criteria provided, single submitter. Criteria: ACMG Guidelines, 2015. Collection method: not provided. Allele origin: germline. Inheritance: Autosomal recessive inheritance. Affected: yes.

Literature cited by the submitters: PubMed 31159747 (cited by Ambry Genetics).

NM_005591.4(MRE11):c.848A>G (p.His283Arg)

Gene: MRE11 (MRE11 double strand break repair nuclease; minus strand). Cytogenetic location: 11q21.
Variant type: single nucleotide variant.
Coding change: c.848A>G on transcript NM_005591.4 (MANE Select); coding-DNA position 848, A replaced by G.
Protein change: p.His283Arg; replaces histidine 283 with arginine.
Molecular consequence: missense variant.
Genome position (GRCh38, 1-based): chr11:94,470,640, T>C on the plus strand (A>G on the coding strand, the complement: MRE11 is on the minus strand). VCF-style: chr11-94470640-T-C. GRCh37 (hg19) VCF-style: chr11-94203806-T-C.
Other names: c.848A>G, p.His283Arg (NM_001330347.2, NM_005590.4); short protein forms H283R.
Identifiers: ClinVar variation 306492 (VCV000306492.22), dbSNP rs142727857, ClinGen allele CA6235277.